The following continues an entry in ClinVar:

NM_000179.3(MSH6):c.1190A>G (p.Tyr397Cys)

Gene: MSH6. ClinVar aggregate classification (germline): Conflicting classifications of pathogenicity. Uncertain significance (15); Likely benign (3).

Submissions 12 to 19 of 19:

Color Diagnostics, LLC DBA Color Health
Classification: Uncertain significance for Hereditary cancer-predisposing syndrome. Last evaluated: 2023-10-02. Review status: criteria provided, single submitter. Criteria: ACMG Guidelines, 2015. Collection method: clinical testing. Allele origin: germline.
Comment: This missense variant replaces tyrosine with cysteine at codon 397 of the MSH6 protein. Computational prediction suggests that this variant may have deleterious impact on protein structure and function (internally defined REVEL score threshold >= 0.7, PMID: 27666373). To our knowledge, functional studies have not been reported for this variant. This variant has been reported in individuals affected with colorectal cancer, with a tumor sample from one case showing microsatellite instability and loss of MLH1 and PMS2 proteins by immunohistochemistry (PMID: 24100870, 25559809), as well as in individuals affected with biliary tract, breast, ovarian, and pancreatic cancers (PMID: 27153395, 31666926, 32980694, 33471991, 34371384). The variant was also observed in healthy controls in a large pancreatic case-control study (PMID: 32980694). This variant has been identified in 6/251150 chromosomes in the general population by the Genome Aggregation Database (gnomAD). The available evidence is insufficient to determine the role of this variant in disease conclusively. Therefore, this variant is classified as a Variant of Uncertain Significance.

Revvity Omics, Revvity
Classification: Uncertain significance. Last evaluated: 2022-03-31. Review status: criteria provided, single submitter. Criteria: ACMG Guidelines, 2015. Collection method: clinical testing. Allele origin: germline.

Sema4
Classification: Uncertain significance for Hereditary cancer-predisposing syndrome. Last evaluated: 2022-01-23. Review status: criteria provided, single submitter. Criteria: Sema4 Curation Guidelines. Collection method: curation. Allele origin: germline.
Comment: The MSH6 c.1190A>G (p.Y397C) variant has been reported in individuals with colorectal cancer and bile duct cancer (PMID: 24100870, 25559809, 31666926). Additionally, the variant was observed in a large case-control study in 5/60466 breast cancer cases and in 0/53461 controls (PMID 33471991). It was observed in 6/251150 chromosomes across the large and broad cohorts of the Genome Aggregation Database (PMID: 32461654). The variant has been reported in ClinVar (Variation ID 182620). In silico tools suggest the impact of the variant on protein function is deleterious though these predictions have not been confirmed by functional studies. The evidence is insufficient to meet ACMG/AMP criteria for classifying the variant as benign or pathogenic. Thus, the clinical significance of this variant is currently uncertain.

Department of Pathology and Laboratory Medicine, Sinai Health System
Classification: Uncertain significance for Lynch syndrome. Last evaluated: 2020-08-31. Review status: criteria provided, single submitter. Criteria: ACMG Guidelines, 2015. Collection method: clinical testing. Allele origin: germline. Affected: yes.

Cancer Genomics Group, Japanese Foundation For Cancer Research
Classification: Uncertain significance for Hereditary breast and ovarian cancer syndrome. Last evaluated: 2019-05-01. Review status: criteria provided, single submitter. Criteria: ACMG Guidelines, 2015. Collection method: research. Allele origin: germline. Affected: yes.

Laboratory for Molecular Medicine, Mass General Brigham Personalized Medicine
Classification: Uncertain significance. Last evaluated: 2018-10-16. Review status: criteria provided, single submitter. Criteria: LMM Criteria. Collection method: clinical testing. Allele origin: germline. Observed: 1 variant allele.
Comment: The p.Tyr397Cys variant in MSH6 has been reported in 2 individuals with colorect al cancer (Terui 2013, Chubb 2015) and has been reported by other clinical labor atories in ClinVar (Variation ID: 182620). This variant has also been identified in 2/30780 South Asian chromosomes by gnomAD . Computational prediction tools and conservation analysis do not provide strong support for or against an impact to the protein. However, an algorithm develope d for in silico prediction of variants in MSH6 gene suggests that this variant i s likely to impact MSH6 function (Terui 2013). In summary, the clinical signific ance of the p.Tyr397Cys variant is uncertain. ACMG/AMP criteria applied: PS4_Sup porting, PM2_Supporting.

Mendelics
Classification: Uncertain significance for Lynch syndrome. Last evaluated: 2018-07-02. Review status: criteria provided, single submitter. Criteria: Mendelics Assertion Criteria 2017. Collection method: clinical testing. Allele origin: unknown.

Counsyl
Classification: Uncertain significance for Lynch syndrome 5. Last evaluated: 2017-01-25. Review status: no assertion criteria provided. Collection method: clinical testing. Allele origin: unknown. Not counted in ClinVar's aggregate classification.

Literature cited by the submitters: PubMed 23621914 (cited by 3 submitters); PubMed 24362816 (cited by Women's Health and Genetics/Laboratory Corporation of America, LabCorp and Counsyl); PubMed 24100870 (cited by 8 submitters); PubMed 25559809 (cited by 8 submitters); PubMed 31666926 (cited by 6 submitters); PubMed 33471991 (cited by 5 submitters); PubMed 34371384 (cited by 4 submitters); PubMed 35449176 (cited by Women's Health and Genetics/Laboratory Corporation of America, LabCorp and Quest Diagnostics Nichols Institute San Juan Capistrano); PubMed 35171259 (cited by Women's Health and Genetics/Laboratory Corporation of America, LabCorp and Quest Diagnostics Nichols Institute San Juan Capistrano); PubMed 36243179 (cited by Women's Health and Genetics/Laboratory Corporation of America, LabCorp and Quest Diagnostics Nichols Institute San Juan Capistrano); PubMed 38843470 (cited by Women's Health and Genetics/Laboratory Corporation of America, LabCorp); PubMed 27363726 (cited by Myriad Genetics, Inc.); PubMed 10675480 (cited by Quest Diagnostics Nichols Institute San Juan Capistrano); PubMed 27153395 (cited by All of Us Research Program, National Institutes of Health and Color Diagnostics, LLC DBA Color Health); PubMed 32980694 (cited by All of Us Research Program, National Institutes of Health and Color Diagnostics, LLC DBA Color Health).